The following is an entry in ClinVar:

NM_007194.4(CHEK2):c.847-5C>G

Gene: CHEK2 (checkpoint kinase 2; minus strand). Cytogenetic location: 22q12.1.
Variant type: single nucleotide variant.
Coding change: c.847-5C>G on transcript NM_007194.4 (MANE Select); 5 bases into the intron before coding-DNA position 847, C replaced by G.
Molecular consequence: intron variant.
Genome position (GRCh38, 1-based): chr22:28,703,571, G>C on the plus strand (C>G on the coding strand, the complement: CHEK2 is on the minus strand). VCF-style: chr22-28703571-G-C. GRCh37 (hg19) VCF-style: chr22-29099559-G-C.
Other names: c.184-5C>G (NM_001437942.1, NM_001257387.3); c.646-5C>G (NM_001349956.3); c.847-5C>G (NM_145862.3); c.940-5C>G (NM_001438295.1, NM_001438293.1); c.976-5C>G (NM_001438294.1, NM_001005735.3).
Identifiers: ClinVar variation 530192 (VCV000530192.12), dbSNP rs1555917045, ClinGen allele CA658799517.
Genomic context (GRCh38, chr22:28,703,571, plus strand): 5'-AAAACAATATAATAATCTTCTGCATCAAAAAAGTTTTTAATCTTGATGATGCAAGGCTAA[G>C]AAGAGGGGGAGAAAAAAGGGAAAGTAGTGAGAAACTCCCAAGAGGAAAACCACAAGAGCT-3'

ClinVar aggregate classification (germline): Conflicting classifications of pathogenicity. Review status: criteria provided, conflicting classifications (1 of 4 stars). 3 submissions from 3 submitters: Uncertain significance (2); Likely benign (1). Last evaluated 2025-12-10.

Conditions:
Familial cancer of breast. Also called: BREAST CANCER, FAMILIAL; Hereditary breast cancer; hereditary breast carcinoma. Identifiers: Orphanet 227535, MedGen C0346153, MONDO:0016419, OMIM 114480. Disease mechanism: loss of function.

Submissions (3):

Labcorp Genetics (formerly Invitae), Labcorp
Classification: Likely benign for Familial cancer of breast. Last evaluated: 2025-12-10. Review status: criteria provided, single submitter. Criteria: Invitae Variant Classification Sherloc (09022015). Collection method: clinical testing. Allele origin: germline.

Mendelics
Classification: Uncertain significance. Last evaluated: 2022-05-04. Review status: criteria provided, single submitter. Criteria: Mendelics Assertion Criteria 2019. Collection method: clinical testing. Allele origin: germline.

GeneDx
Classification: Uncertain significance. Last evaluated: 2019-04-11. Review status: criteria provided, single submitter. Criteria: GeneDx Variant Classification Process June 2021. Collection method: clinical testing. Allele origin: germline. Affected: yes.
Comment: Has not been previously published as pathogenic or benign to our knowledge